The following is an entry in ClinVar:

NM_001082486.2(ACD):c.830G>A (p.Gly277Glu)

Gene: ACD (ACD shelterin complex subunit and telomerase recruitment factor; minus strand). Cytogenetic location: 16q22.1.
Variant type: single nucleotide variant.
Coding change: c.830G>A on transcript NM_001082486.2 (MANE Select); coding-DNA position 830, G replaced by A.
Protein change: p.Gly277Glu; replaces glycine 277 with glutamic acid.
Molecular consequence: missense variant.
Genome position (GRCh38, 1-based): chr16:67,658,362, C>T on the plus strand (G>A on the coding strand, the complement: ACD is on the minus strand). VCF-style: chr16-67658362-C-T. GRCh37 (hg19) VCF-style: chr16-67692265-C-T.
Other names: c.743G>A, p.Gly248Glu (NM_001410884.1); c.821G>A, p.Gly274Glu (NM_022914.3); short protein forms G277E, G248E, G274E.
Identifiers: ClinVar variation 1788260 (VCV001788260.2), dbSNP rs1298464057, ClinGen allele CA396353064.

ClinVar aggregate classification (germline): Uncertain significance (1 of 4 stars; one submission).

Conditions:
Inborn genetic diseases. Identifiers: MedGen C0950123, MeSH D030342.

Allele frequency attached by ClinVar (database versions not stated): gnomAD 0.00001; TOPMed 0.00001.
gnomAD v4.1: 2 of 1,613,494 alleles (0.00012%); highest among the groups gnomAD compares: African/African-American, 0.0027%; no homozygotes.

Submission:

Ambry Genetics
Classification: Uncertain significance for Inborn genetic diseases. Last evaluated: 2024-02-24. Review status: criteria provided, single submitter. Criteria: Ambry Variant Classification Scheme 2023. Collection method: clinical testing. Allele origin: germline.
Comment: The p.G363E variant (also known as c.1088G>A) is located in coding exon 10 of the ACD gene. The glycine at codon 363 is replaced by glutamic acid, an amino acid with similar properties. This change occurs in the first base pair of coding exon 10. This amino acid position is conserved. In addition, this alteration is predicted to be tolerated by in silico analysis. Since supporting evidence is limited at this time, the clinical significance of this alteration remains unclear.